The following is an entry in ClinVar:

ClinVar aggregate classification (germline): Pathogenic/Likely pathogenic. Review status: criteria provided, multiple submitters, no conflicts (2 of 4 stars). 4 submissions from 4 submitters: Pathogenic (2); Likely pathogenic (2). Last evaluated 2026-03-19.

Conditions:
Alport syndrome. Also called: Hemorrhagic familial nephritis; Hemorrhagic hereditary nephritis; Congenital hereditary hematuria. Identifiers: Orphanet 63, MedGen C1567741, MONDO:0018965.
Autosomal dominant Alport syndrome (ATS3A). Also called: Alport syndrome dominant type; Renal failure and sensorineural hearing loss; ALPORT SYNDROME 3A, AUTOSOMAL DOMINANT. Identifiers: Orphanet 63, Orphanet 88918, MedGen C5882663, MONDO:0007086, OMIM 104200.

gnomAD v4.1: 1 of 1,613,428 alleles (0.000062%); highest among the groups gnomAD compares: Non-Finnish European, 0.000085%; no homozygotes.

Submissions (4):

Centre de Génétique Humaine, Institut de Pathologie Et de Génétique
Classification: Likely pathogenic for Autosomal dominant Alport syndrome. Last evaluated: 2026-03-19. Review status: criteria provided, single submitter. Criteria: ACMG Guidelines, 2015. Collection method: clinical testing. Allele origin: germline. Inheritance: Autosomal dominant inheritance. Affected: yes. Observed: 1 variant allele, 1 heterozygote. Segregation with disease not observed.
Comment: This missense variant involves a highly conserved glycine located in a ‘Gly-X-Y’ motif in collagenous region, which is characteristic of the pathogenic variants identified in the COL4A3 gene (PM1,PP2). This variant is rare: allelic frequency of 0.00006% in gnomAD v4.1.0 database (PM2); In silico analysis supports that this missense variant has a deleterious effect (PP3). (PP5)

Natera, Inc.
Classification: Likely pathogenic for Alport syndrome. Last evaluated: 2025-09-14. Review status: criteria provided, single submitter. Criteria: Natera Variant Classification Schema (03/2026). Collection method: clinical testing. Allele origin: germline.
Comment: The c.689G>A variant in COL4A3 is a missense variant predicted to cause substitution of glycine to aspartic acid at amino acid 230. This variant is rare in the general population with a frequency below the threshold expected for the associated phenotype(s). This variant is located in a functionally critical region of the protein. A different variant at the same position has been determined to be Pathogenic or Likely Pathogenic. Computational prediction algorithms indicate this variant is likely to affect gene or protein function. Given the available evidence, this variant is classified as Likely Pathogenic.

GeneDx
Classification: Pathogenic. Last evaluated: 2025-03-25. Review status: criteria provided, single submitter. Criteria: GeneDx Variant Classification Process June 2021. Collection method: clinical testing. Allele origin: germline. Affected: yes.
Comment: Affects a glycine residue in a Gly-X-Y motif in the triple helical region of the COL4A3 gene, where the majority of pathogenic missense variants occur, and is predicted to disrupt normal protein folding and function (PMID: 10752524); Not observed at significant frequency in large population cohorts (gnomAD); In silico analysis supports that this missense variant has a deleterious effect on protein structure/function; This variant is associated with the following publications: (PMID: 24633401, 10752524, 35369551, 38547852, 34746741)

Victorian Clinical Genetics Services, Murdoch Childrens Research Institute
Classification: Pathogenic for Alport syndrome. Last evaluated: 2024-10-09. Review status: criteria provided, single submitter. Criteria: ACMG Guidelines, 2015. Collection method: clinical testing. Allele origin: germline. Affected: yes.
Comment: Based on the classification scheme VCGS_Germline_v1.3.4, this variant is classified as Pathogenic. Following criteria are met: 0103 - Dominant negative and loss of function are known mechanisms of disease in this gene and are associated with Alport syndrome, MONDO:0018965, COL4A3-related. Glycine changes that are part of a G-X-Y repeat in the triple helix of a collagen domain are known to have a dominant negative effect (PMID: 12028435). (I) 0108 - This gene is associated with both recessive (Alport syndrome 2 MIM#203780) and dominant disease (Alport syndrome 3 MIM#104200) (OMIM). (I) 0200 - Variant is predicted to result in a missense amino acid change from glycine to asparagine. (I) 0251 - This variant is heterozygous. (I) 0301 - Variant is absent from gnomAD (both v2 and v3). (SP) 0309 - An alternative amino acid change at the same position has been observed in gnomAD (v2) (1 heterozygotes, 0 homozygotes). (I) 0501 - Missense variant consistently predicted to be damaging by multiple in silico tools or highly conserved with a major amino acid change. This variant is also located in a splice region; however, in silico predictions for abnormal splicing are conflicting. (SP) 0601 - Variant affects one of the glycine residues of the well-established functional Gly-X-Y motif in the collagen triple helical domain (DECIPHER). (SP) 0703 - Another missense variant comparable to the one identified in this case has moderate previous evidence for pathogenicity. p.(Gly230Ser) has been reported as likely pathogenic three times in ClinVar and in an individual with chronic kidney disease and gout (PMID: 36100708). (SP) 0803 - This variant has limited previous evidence of pathogenicity in unrelated individuals. This variant has been reported in a compound heterozygous individual with autosomal recessive Alport syndrome (PMID: 24633401) and in a heterozygous individual with glomerulopathy (PMID: 34746741). (SP) 0905 - No published segregation evidence has been identified for this variant. (I) 1007 - No published functional evidence has been identified for this variant. (I) 1208 - Inheritance information for this variant is not currently available in this individual. (I) Legend: (SP) - Supporting pathogenic, (I) - Information, (SB) - Supporting benign

Literature cited by the submitters: PubMed 24633401 (cited by Centre de Génétique Humaine, Institut de Pathologie Et de Génétique and Victorian Clinical Genetics Services, Murdoch Childrens Research Institute); PubMed 35369551 (cited by Centre de Génétique Humaine, Institut de Pathologie Et de Génétique); PubMed 12028435 (cited by Victorian Clinical Genetics Services, Murdoch Childrens Research Institute); PubMed 34746741 (cited by Victorian Clinical Genetics Services, Murdoch Childrens Research Institute); PubMed 36100708 (cited by Victorian Clinical Genetics Services, Murdoch Childrens Research Institute).

NM_000091.5(COL4A3):c.689G>A (p.Gly230Asp)

Genes: COL4A3 (collagen type IV alpha 3 chain; plus strand), MFF-DT (MFF divergent transcript; minus strand). Cytogenetic location: 2q36.3.
Variant type: single nucleotide variant.
Coding change: c.689G>A on transcript NM_000091.5 (MANE Select); coding-DNA position 689, G replaced by A.
Protein change: p.Gly230Asp; replaces glycine 230 with aspartic acid.
Molecular consequence: missense variant.
Genome position (GRCh38, 1-based): chr2:227,253,562, G>A. VCF-style: chr2-227253562-G-A. GRCh37 (hg19) VCF-style: chr2-228118278-G-A.
Other names: p.(Gly230Asp); short protein forms G230D.
Identifiers: ClinVar variation 3377043 (VCV003377043.4).